The following is an entry in ClinVar:

ClinVar aggregate classification (germline): Benign. Review status: criteria provided, multiple submitters, no conflicts (2 of 4 stars). 3 submissions from 3 submitters: Benign (2). 1 of the submissions does not count toward it. Last evaluated 2019-12-31.

Conditions:
SSTR5-related disorder. Also called: SSTR5-related condition.

Allele frequency attached by ClinVar (database versions not stated): TOPMed 0.00770; ESP Exome Variant Server 0.00824; 1000 Genomes Project 0.00958; 1000 Genomes Project 30x 0.00968.
gnomAD v4.1: 2,544 of 1,612,170 alleles (0.16%); highest among the groups gnomAD compares: African/African-American, 2.5%; 39 homozygotes.

Submissions (3):

Labcorp Genetics (formerly Invitae), Labcorp
Classification: Benign. Last evaluated: 2019-12-31. Review status: criteria provided, single submitter. Criteria: Invitae Variant Classification Sherloc (09022015). Collection method: clinical testing. Allele origin: germline.

Breakthrough Genomics
Classification: Benign. Review status: criteria provided, single submitter. Criteria: ACMG Guidelines, 2015. Collection method: not provided. Allele origin: germline. Inheritance: Unknown mechanism. Affected: yes.

PreventionGenetics, part of Exact Sciences
Classification: Benign for SSTR5-related condition. Last evaluated: 2020-01-06. Review status: no assertion criteria provided. Collection method: clinical testing. Allele origin: germline. Not counted in ClinVar's aggregate classification.
Comment: This variant is classified as benign based on ACMG/AMP sequence variant interpretation guidelines (Richards et al. 2015 PMID: 25741868, with internal and published modifications).

NM_001172560.3(SSTR5):c.402C>T (p.Ser134=)

Gene: SSTR5 (somatostatin receptor 5; plus strand). Cytogenetic location: 16p13.3.
Variant type: single nucleotide variant.
Coding change: c.402C>T on transcript NM_001172560.3 (MANE Select); coding-DNA position 402, C replaced by T.
Protein change: p.Ser134=; no amino-acid change (serine 134 retained).
Molecular consequence: synonymous variant.
Genome position (GRCh38, 1-based): chr16:1,079,270, C>T. VCF-style: chr16-1079270-C-T. GRCh37 (hg19) VCF-style: chr16-1129270-C-T.
Other names: c.402C>T, p.Ser134= (NM_001053.4).
Identifiers: ClinVar variation 790162 (VCV000790162.7), dbSNP rs34654948, ClinGen allele CA7798694.